The following is an entry in ClinVar:

ClinVar aggregate classification (germline): Likely benign. Review status: criteria provided, multiple submitters, no conflicts (2 of 4 stars). 2 submissions from 2 submitters: Likely benign (2). Last evaluated 2025-03-27.

Allele frequency attached by ClinVar (database versions not stated): gnomAD 0.00001; gnomAD exomes 0.00001; TOPMed 0.00005.
gnomAD v4.1: 11 of 1,613,908 alleles (0.00068%); highest among the groups gnomAD compares: Non-Finnish European, 0.00076%; no homozygotes.

Submissions (2):

Labcorp Genetics (formerly Invitae), Labcorp
Classification: Likely benign. Last evaluated: 2025-03-27. Review status: criteria provided, single submitter. Criteria: Invitae Variant Classification Sherloc (09022015). Collection method: clinical testing. Allele origin: germline.

CeGaT Center for Human Genetics Tuebingen
Classification: Likely benign. Last evaluated: 2024-06-01. Review status: criteria provided, single submitter. Criteria: CeGaT Center For Human Genetics Tuebingen Variant Classification Criteria Version 2. Collection method: clinical testing. Allele origin: germline. Affected: yes. Observed: 1 variant allele.
Comment: SETD5: BP4, BP7

NM_001080517.3(SETD5):c.3882C>G (p.Leu1294=)

Gene: SETD5 (SET domain containing 5; plus strand). Cytogenetic location: 3p25.3.
Variant type: single nucleotide variant.
Coding change: c.3882C>G on transcript NM_001080517.3 (MANE Select); coding-DNA position 3882, C replaced by G.
Protein change: p.Leu1294=; no amino-acid change (leucine 1294 retained).
Molecular consequence: synonymous variant.
Genome position (GRCh38, 1-based): chr3:9,475,644, C>G. VCF-style: chr3-9475644-C-G. GRCh37 (hg19) VCF-style: chr3-9517328-C-G.
Other names: c.3588C>G, p.Leu1196= (NM_001292043.2, NM_001349451.2).
Identifiers: ClinVar variation 1984728 (VCV001984728.22), dbSNP rs1049832485, ClinGen allele CA69951951.
Genomic context (GRCh38, chr3:9,475,644, plus strand): 5'-TCGAACTACTGCACTGAGACCTGGAAACCCCCCCTCTCACGGTTCTTCAGAATCATCCCT[C>G]TCTTCCACGTCCTATTCCAGCCCCGCCCACCCTGTGTCCACAGACTCGTTGGCCCCATTT-3'
Protein context (NP_001073986.1, residues 1284-1304): PPSHGSSESS[Leu1294=]SSTSYSSPAH